The following is an entry in ClinVar:

ClinVar aggregate classification (germline): Likely benign (1 of 4 stars; one submission).

Allele frequency attached by ClinVar (database versions not stated): gnomAD 0.00018; TOPMed 0.00018; gnomAD exomes 0.00021; ExAC 0.00040; ESP Exome Variant Server 0.00050.

Submission:

CeGaT Center for Human Genetics Tuebingen
Classification: Likely benign. Last evaluated: 2022-09-01. Review status: criteria provided, single submitter. Criteria: CeGaT Center For Human Genetics Tuebingen Variant Classification Criteria Version 2. Collection method: clinical testing. Allele origin: germline. Affected: yes. Observed: 1 variant allele.
Comment: TOP2A: BP4, BP7

NM_001067.4(TOP2A):c.4212A>G (p.Glu1404=)

Gene: TOP2A (DNA topoisomerase II alpha; minus strand). Cytogenetic location: 17q21.2.
Variant type: single nucleotide variant.
Coding change: c.4212A>G on transcript NM_001067.4 (MANE Select); coding-DNA position 4212, A replaced by G.
Protein change: p.Glu1404=; no amino-acid change (glutamic acid 1404 retained).
Molecular consequence: synonymous variant.
Genome position (GRCh38, 1-based): chr17:40,391,561, T>C on the plus strand (A>G on the coding strand, the complement: TOP2A is on the minus strand). VCF-style: chr17-40391561-T-C. GRCh37 (hg19) VCF-style: chr17-38547813-T-C.
Identifiers: ClinVar variation 2647737 (VCV002647737.24), dbSNP rs370684300, ClinGen allele CA8542956.